The following is an entry in ClinVar:

ClinVar aggregate classification (germline): Uncertain significance. Review status: criteria provided, multiple submitters, no conflicts (2 of 4 stars). 2 submissions from 2 submitters: Uncertain significance (2). Last evaluated 2025-03-11.

Conditions:
Hereditary cancer-predisposing syndrome. Also called: Hereditary neoplastic syndrome; Neoplastic Syndromes, Hereditary; Hereditary Cancer Syndrome; Tumor predisposition. Identifiers: Orphanet 140162, MedGen C0027672, MeSH D009386, MONDO:0015356.

Submissions (2):

Ambry Genetics
Classification: Uncertain significance for Hereditary cancer-predisposing syndrome. Last evaluated: 2025-03-11. Review status: criteria provided, single submitter. Criteria: Ambry Variant Classification Scheme 2023. Collection method: clinical testing. Allele origin: germline.
Comment: The p.V1105M variant (also known as c.3313G>A), located in coding exon 27 of the POLE gene, results from a G to A substitution at nucleotide position 3313. The valine at codon 1105 is replaced by methionine, an amino acid with highly similar properties. This amino acid position is conserved. In addition, the in silico prediction for this alteration is inconclusive. Based on the available evidence, the clinical significance of this variant remains unclear.

Labcorp Genetics (formerly Invitae), Labcorp
Classification: Uncertain significance. Last evaluated: 2024-01-11. Review status: criteria provided, single submitter. Criteria: Invitae Variant Classification Sherloc (09022015). Collection method: clinical testing. Allele origin: germline.
Comment: This sequence change replaces valine, which is neutral and non-polar, with methionine, which is neutral and non-polar, at codon 1105 of the POLE protein (p.Val1105Met). This variant is not present in population databases (gnomAD no frequency). This variant has not been reported in the literature in individuals affected with POLE-related conditions. Advanced modeling of protein sequence and biophysical properties (such as structural, functional, and spatial information, amino acid conservation, physicochemical variation, residue mobility, and thermodynamic stability) performed at Invitae indicates that this missense variant is expected to disrupt POLE protein function with a positive predictive value of 80%. In summary, the available evidence is currently insufficient to determine the role of this variant in disease. Therefore, it has been classified as a Variant of Uncertain Significance.

NM_006231.4(POLE):c.3313G>A (p.Val1105Met)

Gene: POLE (DNA polymerase epsilon, catalytic subunit; minus strand). Cytogenetic location: 12q24.33.
Variant type: single nucleotide variant.
Coding change: c.3313G>A on transcript NM_006231.4 (MANE Select); coding-DNA position 3313, G replaced by A.
Protein change: p.Val1105Met; replaces valine 1105 with methionine.
Molecular consequence: missense variant.
Genome position (GRCh38, 1-based): chr12:132,657,933, C>T on the plus strand (G>A on the coding strand, the complement: POLE is on the minus strand). VCF-style: chr12-132657933-C-T. GRCh37 (hg19) VCF-style: chr12-133234519-C-T.
Other names: c.3313G>A (NM_006231.2); short protein forms V1105M.
Identifiers: ClinVar variation 2704127 (VCV002704127.4), dbSNP rs2542008424, ClinGen allele CA387389731.